The following is an entry in ClinVar:

ClinVar aggregate classification (germline): Uncertain significance (1 of 4 stars; one submission).

Conditions:
Hypertrophic cardiomyopathy. Also called: HYPERTROPHIC MYOCARDIOPATHY. Identifiers: Orphanet 217569, MedGen C0007194, MeSH D002312, MONDO:0005045, HP:0001639.

Submission:

Labcorp Genetics (formerly Invitae), Labcorp
Classification: Uncertain significance for Hypertrophic cardiomyopathy. Last evaluated: 2021-10-15. Review status: criteria provided, single submitter. Criteria: Invitae Variant Classification Sherloc (09022015). Collection method: clinical testing. Allele origin: germline.
Comment: This variant has not been reported in the literature in individuals affected with MYH7-related conditions. This variant is not present in population databases (ExAC no frequency). This sequence change replaces asparagine with threonine at codon 817 of the MYH7 protein (p.Asn817Thr). The asparagine residue is highly conserved and there is a small physicochemical difference between asparagine and threonine. Algorithms developed to predict the effect of missense changes on protein structure and function (SIFT, PolyPhen-2, Align-GVGD) all suggest that this variant is likely to be disruptive. In summary, the available evidence is currently insufficient to determine the role of this variant in disease. Therefore, it has been classified as a Variant of Uncertain Significance. This variant is found within a region of MYH7 between codons 181 and 937 that contains the majority of the myosin head domain. Missense variants in this region have been shown to be significantly overrepresented in individuals with hypertrophic cardiomyopathy (PMID: 27532257).

Literature cited by the submitters: PubMed 27532257.

NM_000257.4(MYH7):c.2450A>C (p.Asn817Thr)

Genes: MYH7 (myosin heavy chain 7; minus strand), LOC126861898 (BRD4-independent group 4 enhancer GRCh37_chr14:23893609-23894808; plus strand). Cytogenetic location: 14q11.2.
Variant type: single nucleotide variant.
Coding change: c.2450A>C on transcript NM_000257.4 (MANE Select); coding-DNA position 2450, A replaced by C.
Protein change: p.Asn817Thr; replaces asparagine 817 with threonine.
Molecular consequence: missense variant.
Genome position (GRCh38, 1-based): chr14:23,424,998, T>G on the plus strand (A>C on the coding strand, the complement: MYH7 is on the minus strand). VCF-style: chr14-23424998-T-G. GRCh37 (hg19) VCF-style: chr14-23894207-T-G.
Other names: short protein forms N817T.
Identifiers: ClinVar variation 1447077 (VCV001447077.6), dbSNP rs2138666295, ClinGen allele CA389048383.